The following is an entry in ClinVar:

NM_006231.4(POLE):c.3037T>C (p.Trp1013Arg)

Gene: POLE (DNA polymerase epsilon, catalytic subunit; minus strand). Cytogenetic location: 12q24.33.
Variant type: single nucleotide variant.
Coding change: c.3037T>C on transcript NM_006231.4 (MANE Select); coding-DNA position 3037, T replaced by C.
Protein change: p.Trp1013Arg; replaces tryptophan 1013 with arginine.
Molecular consequence: missense variant.
Genome position (GRCh38, 1-based): chr12:132,660,992, A>G on the plus strand (T>C on the coding strand, the complement: POLE is on the minus strand). VCF-style: chr12-132660992-A-G. GRCh37 (hg19) VCF-style: chr12-133237578-A-G.
Other names: short protein forms W1013R.
Identifiers: ClinVar variation 3602688 (VCV003602688.1).
Genomic context (GRCh38, chr12:132,660,992, plus strand): 5'-CCCTCAGAGCAGGTGAGGGTGGAGGGTAGGCCTTTACCTTGCTGTACAGCACGTCCAGCC[A>G]GTAGTCAGCCACCTTGGCTACAGAGCCATACACCTCTTCCAGCGTGCTGCCCTTGAGGAA-3'
Protein context (NP_006222.2, residues 1003-1023): YGSVAKVADY[Trp1013Arg]LDVLYSKAAN

ClinVar aggregate classification (germline): Uncertain significance (1 of 4 stars; one submission).

Conditions:
Colorectal cancer, susceptibility to, 12 (CRCS12). Also called: COLORECTAL CANCER, SUSCEPTIBILITY TO, ON CHROMOSOME 12q24. Identifiers: Orphanet 220460, MedGen C3554460, MONDO:0014038, OMIM 615083.

Submission:

St. Jude Molecular Pathology, St. Jude Children's Research Hospital
Classification: Uncertain significance for Colorectal cancer, susceptibility to, 12. Last evaluated: 2025-02-05. Review status: criteria provided, single submitter. Criteria: St. Jude Assertion Criteria 2020. Collection method: clinical testing. Allele origin: germline.
Comment: The POLE c.3037T>C p.(Trp1013Arg) missense change is absent in gnomAD v2.1.1. The in silico tool REVEL predicts a pathogenic effect of this variant on protein function, and functional studies have not been performed. This variant has not been reported in the literature in individuals with POLE-related disease. In summary, the evidence currently available is insufficient to determine the clinical significance of this variant. It has therefore been classified as of uncertain significance.